The following is an entry in ClinVar:

ClinVar aggregate classification (germline): Pathogenic (1 of 4 stars; one submission).

Conditions:
Alstrom syndrome (ALMS). Identifiers: Orphanet 64, MedGen C0268425, MONDO:0008763, OMIM 203800.

Allele frequency attached by ClinVar (database versions not stated): gnomAD exomes below 0.00001.
gnomAD v4.1: 1 of 1,613,810 alleles (0.000062%); highest among the groups gnomAD compares: Non-Finnish European, 0.000085%; no homozygotes.

Submission:

Labcorp Genetics (formerly Invitae), Labcorp
Classification: Pathogenic for Alstrom syndrome. Last evaluated: 2022-04-13. Review status: criteria provided, single submitter. Criteria: Invitae Variant Classification Sherloc (09022015). Collection method: clinical testing. Allele origin: germline.
Comment: For these reasons, this variant has been classified as Pathogenic. This premature translational stop signal has been observed in individual(s) with Alstrom syndrome (PMID: 25296579). This variant is not present in population databases (gnomAD no frequency). This sequence change creates a premature translational stop signal (p.Trp1018*) in the ALMS1 gene. It is expected to result in an absent or disrupted protein product. Loss-of-function variants in ALMS1 are known to be pathogenic (PMID: 17594715).

Literature cited by the submitters: PubMed 25296579; PubMed 17594715.

NM_001378454.1(ALMS1):c.3050G>A (p.Trp1017Ter)

Gene: ALMS1 (ALMS1 centrosome and basal body associated protein; plus strand). Cytogenetic location: 2p13.1.
Variant type: single nucleotide variant.
Coding change: c.3050G>A on transcript NM_001378454.1 (MANE Select); coding-DNA position 3050, G replaced by A.
Protein change: p.Trp1017Ter; replaces tryptophan 1017 with a stop codon.
Molecular consequence: nonsense.
Genome position (GRCh38, 1-based): chr2:73,449,577, G>A. VCF-style: chr2-73449577-G-A. GRCh37 (hg19) VCF-style: chr2-73676704-G-A.
Other names: c.3053G>A, p.Trp1018Ter (NM_015120.4); short protein forms W1017*, W1018*.
Identifiers: ClinVar variation 2110710 (VCV002110710.4), dbSNP rs2103777457, ClinGen allele CA347273596.